The following is an entry in ClinVar:

ClinVar aggregate classification (germline): Conflicting classifications of pathogenicity. Review status: criteria provided, conflicting classifications (1 of 4 stars). 7 submissions from 6 submitters: Uncertain significance (1); Benign (3); Likely benign (3). Last evaluated 2025-05-01.

Conditions:
Cardiovascular phenotype. Identifiers: MedGen CN230736.
Arrhythmogenic right ventricular dysplasia 2. Identifiers: MedGen C1832931.
Cardiomyopathy (CMYO). Also called: Cardiomyopathies. Identifiers: Orphanet 167848, MedGen C0878544, MONDO:0004994, HP:0001638. Inheritance: Various modes of inheritance.
Catecholaminergic polymorphic ventricular tachycardia 1. Also called: VENTRICULAR TACHYCARDIA, CATECHOLAMINERGIC POLYMORPHIC, 1, WITH OR WITHOUT ATRIAL DYSFUNCTION AND/OR DILATED CARDIOMYOPATHY; VENTRICULAR TACHYCARDIA, STRESS-INDUCED POLYMORPHIC 1; RYR2-Related Catecholaminergic Polymorphic Ventricular Tachycardia. Identifiers: Orphanet 3286, MedGen C1631597, MONDO:0011484, OMIM 604772.

Allele frequency attached by ClinVar (database versions not stated): gnomAD below 0.00001 and 0.00002; TOPMed below 0.00001; gnomAD exomes 0.00011 and 0.00018; ExAC 0.00017; 1000 Genomes Project 30x 0.00031.
gnomAD v4.1: 166 of 1,612,652 alleles (0.01%); highest among the groups gnomAD compares: South Asian, 0.17%; 1 homozygote.

Submissions (7):

Labcorp Genetics (formerly Invitae), Labcorp
Classification: Benign for Catecholaminergic polymorphic ventricular tachycardia 1. Last evaluated: 2025-05-01. Review status: criteria provided, single submitter. Criteria: Invitae Variant Classification Sherloc (09022015). Collection method: clinical testing. Allele origin: germline.

Ambry Genetics
Classification: Likely benign for Cardiovascular phenotype. Last evaluated: 2023-03-13. Review status: criteria provided, single submitter. Criteria: Ambry Variant Classification Scheme 2023. Collection method: clinical testing. Allele origin: germline.

Women's Health and Genetics/Laboratory Corporation of America, LabCorp
Classification: Benign. Last evaluated: 2021-02-01. Review status: criteria provided, single submitter. Criteria: LabCorp Variant Classification Summary - May 2015. Collection method: clinical testing. Allele origin: germline.
Comment: Variant summary: RYR2 c.9601G>A (p.Val3201Met) results in a conservative amino acid change in the encoded protein sequence. Three of five in-silico tools predict a damaging effect of the variant on protein function. The variant allele was found at a frequency of 0.00018 in 248802 control chromosomes, predominantly at a frequency of 0.0014 within the South Asian subpopulation in the gnomAD database. The observed variant frequency within South Asian control individuals in the gnomAD database is approximately 41- fold the estimated maximal expected allele frequency for a pathogenic variant in RYR2 causing Catecholaminergic Polymorphic Ventricular Tachycardia phenotype (3.4e-05), strongly suggesting that the variant is a benign polymorphism found primarily in populations of South Asian origin. c.9601G>A has been reported in the literature in at least one individual affected by Sudden Cardiac Death (e.g. Campuzano_2017). This report does not provide unequivocal conclusions about association of the variant with Catecholaminergic Polymorphic Ventricular Tachycardia. To our knowledge, no experimental evidence demonstrating an impact on protein function has been reported. Four other clinical diagnostic laboratories have submitted clinical-significance assessments for this variant to ClinVar after 2014 without evidence for independent evaluation, citing the variant as benign/likely benign (n=3) and uncertain significance (n=1). Based on the evidence outlined above, the variant was classified as benign.

Laboratory for Molecular Medicine, Mass General Brigham Personalized Medicine
Classification: Benign. Last evaluated: 2019-05-02. Review status: criteria provided, single submitter. Criteria: LMM Criteria. Collection method: clinical testing. Allele origin: germline. Observed: 1 variant allele.
Comment: The p.Val3201Met variant in RYR2 is classified as benign because it has been identified in 0.14% (44/30598) of South Asian chromosomes by gnomAD. ACMG/AMP Criteria applied: BA1

Color Diagnostics, LLC DBA Color Health
Classification: Likely benign for Cardiomyopathy. Last evaluated: 2018-11-02. Review status: criteria provided, single submitter. Criteria: ACMG Guidelines, 2015. Collection method: clinical testing. Allele origin: germline.

Illumina Laboratory Services, Illumina
Classification: Likely benign for Catecholaminergic polymorphic ventricular tachycardia 1. Last evaluated: 2018-01-12. Review status: criteria provided, single submitter. Criteria: ICSL Variant Classification Criteria 13 December 2019. Collection method: clinical testing. Allele origin: germline.
Comment: This variant was observed in the ICSL laboratory as part of a predisposition screen in an ostensibly healthy population. It had not been previously curated by ICSL or reported in the Human Gene Mutation Database (HGMD: prior to June 1st, 2018), and was therefore a candidate for classification through an automated scoring system. Utilizing variant allele frequency, disease prevalence and penetrance estimates, and inheritance mode, an automated score was calculated to assess if this variant is too frequent to cause the disease. Based on the score and internal cut-off values, a variant classified as likely benign is not then subjected to further curation. The score for this variant resulted in a classification of likely benign for this disease.

Illumina Laboratory Services, Illumina
Classification: Uncertain significance for Catecholaminergic polymorphic ventricular tachycardia 1. Last evaluated: 2018-01-12. Review status: criteria provided, single submitter. Criteria: ICSL Variant Classification Criteria 13 December 2019. Collection method: clinical testing. Allele origin: germline.

Literature cited by the submitters: PubMed 28255936 (cited by Ambry Genetics and Women's Health and Genetics/Laboratory Corporation of America, LabCorp); PubMed 28404607 (cited by Ambry Genetics); PubMed 35932045 (cited by Ambry Genetics).

NM_001035.3(RYR2):c.9601G>A (p.Val3201Met)

Gene: RYR2 (ryanodine receptor 2; plus strand). Cytogenetic location: 1q43.
Variant type: single nucleotide variant.
Coding change: c.9601G>A on transcript NM_001035.3 (MANE Select); coding-DNA position 9601, G replaced by A.
Protein change: p.Val3201Met; replaces valine 3201 with methionine.
Molecular consequence: missense variant.
Genome position (GRCh38, 1-based): chr1:237,706,969, G>A. VCF-style: chr1-237706969-G-A. GRCh37 (hg19) VCF-style: chr1-237870269-G-A.
Other names: c.9601G>A, p.Val3201Met (LRG_402t1); short protein forms V3201M.
Identifiers: ClinVar variation 296741 (VCV000296741.59), dbSNP rs762549821, ClinGen allele CA087934.
Genomic context (GRCh38, chr1:237,706,969, plus strand): 5'-TTTCTTTGAATATCATCCATTTTTATATGTACTTCTCCAGCTCTCAGTTTGCCAACTAAT[G>A]TGGAAGATGTTTGTCCAAACATACCGTCTTTGGAGAAACTCATGGAAGAAATCGTGGAAT-3'
Protein context (NP_001026.2, residues 3191-3211): ERAALSLPTN[Val3201Met]EDVCPNIPSL